The following is an entry in ClinVar:

NM_001364905.1(LRBA):c.1270C>T (p.Arg424Trp)

Gene: LRBA (LPS responsive beige-like anchor protein; minus strand). Cytogenetic location: 4q31.3.
Variant type: single nucleotide variant.
Coding change: c.1270C>T on transcript NM_001364905.1 (MANE Select); coding-DNA position 1270, C replaced by T.
Protein change: p.Arg424Trp; replaces arginine 424 with tryptophan.
Molecular consequence: missense variant.
Genome position (GRCh38, 1-based): chr4:150,908,749, G>A on the plus strand (C>T on the coding strand, the complement: LRBA is on the minus strand). VCF-style: chr4-150908749-G-A. GRCh37 (hg19) VCF-style: chr4-151829901-G-A.
Other names: c.1270C>T, p.Arg424Trp (NM_001199282.3, NM_001367550.1, NM_006726.5); short protein forms R424W.
Identifiers: ClinVar variation 572625 (VCV000572625.7), dbSNP rs945099173, ClinGen allele CA107820691.

ClinVar aggregate classification (germline): Uncertain significance. Review status: criteria provided, multiple submitters, no conflicts (2 of 4 stars). 2 submissions from 2 submitters: Uncertain significance (2). Last evaluated 2022-10-24.

Conditions:
Combined immunodeficiency due to LRBA deficiency. Also called: Common variable immunodeficiency 8, with autoimmunity. Identifiers: Orphanet 445018, MedGen C3553512, MONDO:0013863, OMIM 614700.

Allele frequency attached by ClinVar (database versions not stated): gnomAD exomes 0.00001 and 0.00004; gnomAD 0.00002; TOPMed 0.00006.
gnomAD v4.1: 55 of 1,613,494 alleles (0.0034%); highest among the groups gnomAD compares: Non-Finnish European, 0.0042%; no homozygotes.

Submissions (2):

Blueprint Genetics
Classification: Uncertain significance. Last evaluated: 2022-10-24. Review status: criteria provided, single submitter. Criteria: ACMG Guidelines, 2015. Collection method: clinical testing. Allele origin: germline.

Labcorp Genetics (formerly Invitae), Labcorp
Classification: Uncertain significance for Combined immunodeficiency due to LRBA deficiency. Last evaluated: 2022-01-11. Review status: criteria provided, single submitter. Criteria: Invitae Variant Classification Sherloc (09022015). Collection method: clinical testing. Allele origin: germline.
Comment: In summary, the available evidence is currently insufficient to determine the role of this variant in disease. Therefore, it has been classified as a Variant of Uncertain Significance. Algorithms developed to predict the effect of missense changes on protein structure and function are either unavailable or do not agree on the potential impact of this missense change (SIFT: "Deleterious"; PolyPhen-2: "Probably Damaging"; Align-GVGD: "Class C0"). ClinVar contains an entry for this variant (Variation ID: 572625). This variant has not been reported in the literature in individuals affected with LRBA-related conditions. This variant is present in population databases (no rsID available, gnomAD 0.004%). This sequence change replaces arginine, which is basic and polar, with tryptophan, which is neutral and slightly polar, at codon 424 of the LRBA protein (p.Arg424Trp).